The following is an entry in ClinVar:

ClinVar aggregate classification (germline): Uncertain significance (1 of 4 stars; one submission).

Conditions:
Idiopathic generalized epilepsy. Also called: Generalised epilepsy; EIG. Identifiers: MedGen C0270850, MONDO:0005579, OMIM 600669.
Hyperaldosteronism, familial, type IV (HALD4). Also called: FH IV; ALDOSTERONISM, PRIMARY, AND HYPERTENSION. Identifiers: Orphanet 642671, MedGen C4310756, MONDO:0014875, OMIM 617027.

Submission:

Labcorp Genetics (formerly Invitae), Labcorp
Classification: Uncertain significance for Idiopathic generalized epilepsy; Hyperaldosteronism, familial, type IV. Last evaluated: 2025-07-15. Review status: criteria provided, single submitter. Criteria: Invitae Variant Classification Sherloc (09022015). Collection method: clinical testing. Allele origin: germline.
Comment: This sequence change replaces methionine, which is neutral and non-polar, with threonine, which is neutral and polar, at codon 1344 of the CACNA1H protein (p.Met1344Thr). This variant is not present in population databases (gnomAD no frequency). This variant has not been reported in the literature in individuals affected with CACNA1H-related conditions. ClinVar contains an entry for this variant (Variation ID: 3753238). Invitae Evidence Modeling of protein sequence and biophysical properties (such as structural, functional, and spatial information, amino acid conservation, physicochemical variation, residue mobility, and thermodynamic stability) indicates that this missense variant is not expected to disrupt CACNA1H protein function with a negative predictive value of 80%. In summary, the available evidence is currently insufficient to determine the role of this variant in disease. Therefore, it has been classified as a Variant of Uncertain Significance.

NM_021098.3(CACNA1H):c.4031T>C (p.Met1344Thr)

Gene: CACNA1H (calcium voltage-gated channel subunit alpha1 H; plus strand). Cytogenetic location: 16p13.3.
Variant type: single nucleotide variant.
Coding change: c.4031T>C on transcript NM_021098.3 (MANE Select); coding-DNA position 4031, T replaced by C.
Protein change: p.Met1344Thr; replaces methionine 1344 with threonine.
Molecular consequence: missense variant.
Genome position (GRCh38, 1-based): chr16:1,210,644, T>C. VCF-style: chr16-1210644-T-C. GRCh37 (hg19) VCF-style: chr16-1260644-T-C.
Other names: c.4031T>C, p.Met1344Thr (NM_001005407.2); short protein forms M1344T.
Identifiers: ClinVar variation 3753238 (VCV003753238.2).
Genomic context (GRCh38, chr16:1,210,644, plus strand): 5'-AGCGGGTCTTCCTCAGCGTCTCCAATTACATCTTCACGGCCATCTTCGTGGCGGAGATGA[T>C]GGTGAAGGTACCGCGGGGCCCGGGGACTGCCCTTGTTCCCAGGTCCCCGTTCTGCCCTCA-3'
Protein context (NP_066921.2, residues 1334-1354): IFTAIFVAEM[Met1344Thr]VKVVALGLLS